The following is an entry in ClinVar:

ClinVar aggregate classification (germline): Likely benign (1 of 4 stars; one submission).

Submission:

GeneDx
Classification: Likely benign. Last evaluated: 2017-10-26. Review status: criteria provided, single submitter. Criteria: GeneDx Variant Classification (06012015). Collection method: clinical testing. Allele origin: germline. Affected: yes.
Comment: This variant is considered likely benign or benign based on one or more of the following criteria: it is a conservative change, it occurs at a poorly conserved position in the protein, it is predicted to be benign by multiple in silico algorithms, and/or has population frequency not consistent with disease.

NM_004453.4(ETFDH):c.-41CCT[1]

Gene: ETFDH (electron transfer flavoprotein dehydrogenase; plus strand). Cytogenetic location: 4q32.1.
Variant type: Microsatellite.
Coding change: c.-41CCT[1] on transcript NM_004453.4 (MANE Select); one copy of the 3-base unit CCT starting at c.-41; the reference has two copies in a row; one copy, 3 bases deleted.
Molecular consequence: 5 prime UTR variant.
Genome position (GRCh38, 1-based): chr4:158,672,419-158,672,421, CCT deleted; deleting any 3 consecutive bases within chr4:158,672,415-158,672,421 gives the same sequence; the position shown is the placement nearest the transcript's 3' end. VCF-style (leftmost placement, unchanged base first): chr4-158672414-GTCC-G. GRCh37 (hg19) VCF-style: chr4-159593566-GTCC-G.
Other names: c.-41CCT[1] (NM_001281737.2).
Identifiers: ClinVar variation 512971 (VCV000512971.1), dbSNP rs765693695, ClinGen allele CA3122241.